The following is an entry in ClinVar:

ClinVar aggregate classification (germline): Uncertain significance (1 of 4 stars; one submission).

Conditions:
Chromosome 2q32-q33 deletion syndrome (GLASS). Also called: Glass syndrome; 2q33.1 deletion syndrome. Identifiers: Orphanet 251019, MedGen C2676739, MONDO:0012864, OMIM 612313.

Submission:

Juno Genomics, Hangzhou Juno Genomics, Inc
Classification: Uncertain significance for Chromosome 2q32-q33 deletion syndrome. Review status: criteria provided, single submitter. Criteria: ACMG Guidelines, 2015. Collection method: clinical testing. Allele origin: germline.
Comment: Absent from controls (or at extremely low frequency if recessive) in Genome Aggregation Database.;Missense variant in a gene that has a low rate of benign missense variation.

NM_001172509.2(SATB2):c.1534A>G (p.Lys512Glu)

Gene: SATB2 (SATB homeobox 2; minus strand). Cytogenetic location: 2q33.1.
Variant type: single nucleotide variant.
Coding change: c.1534A>G on transcript NM_001172509.2 (MANE Select); coding-DNA position 1534, A replaced by G.
Protein change: p.Lys512Glu; replaces lysine 512 with glutamic acid.
Molecular consequence: missense variant.
Genome position (GRCh38, 1-based): chr2:199,323,811, T>C on the plus strand (A>G on the coding strand, the complement: SATB2 is on the minus strand). VCF-style: chr2-199323811-T-C. GRCh37 (hg19) VCF-style: chr2-200188534-T-C.
Other names: c.1534A>G, p.Lys512Glu (NM_001172517.1, NM_015265.4); short protein forms K512E.
Identifiers: ClinVar variation 5019198 (VCV005019198.2).